The following is an entry in ClinVar:

NM_001029896.2(WDR45):c.437-1G>A

Gene: WDR45 (WD repeat domain 45; minus strand). Cytogenetic location: Xp11.23.
Variant type: single nucleotide variant.
Coding change: c.437-1G>A on transcript NM_001029896.2 (MANE Select); the canonical splice acceptor site of the intron before coding-DNA position 437, G replaced by A.
Molecular consequence: splice acceptor variant.
Genome position (GRCh38, 1-based): chrX:49,075,946, C>T on the plus strand (G>A on the coding strand, the complement: WDR45 is on the minus strand). VCF-style: chrX-49075946-C-T. GRCh37 (hg19) VCF-style: chrX-48933605-C-T.
Other names: c.440-1G>A (NM_007075.4).
Identifiers: ClinVar variation 666584 (VCV000666584.3), dbSNP rs1602538372, ClinGen allele CA412945578.
Genomic context (GRCh38, chrX:49,075,946, plus strand): 5'-ACTTGTGTCCCGGGAACACTAGCAGTTGCTTCTCCAGGCTGGGGCAGAGGTCACAGAGCC[C>T]TAGGGTGTGAAGATGGGGGGTGGGGTGGGCGGCTGAAGAGGAGGCAGCATCTCAGAATGG-3'

ClinVar aggregate classification (germline): Pathogenic/Likely pathogenic. Review status: criteria provided, multiple submitters, no conflicts (2 of 4 stars). 2 submissions from 2 submitters: Pathogenic (1); Likely pathogenic (1). Last evaluated 2025-01-15.

Conditions:
Neurodegeneration with brain iron accumulation 5 (NBIA5). Also called: STATIC ENCEPHALOPATHY OF CHILDHOOD WITH NEURODEGENERATION IN ADULTHOOD; Beta-propeller protein-associated neurodegeneration. Identifiers: Orphanet 329284, MedGen C3550973, MONDO:0010476, OMIM 300894.

Submissions (2):

Labcorp Genetics (formerly Invitae), Labcorp
Classification: Pathogenic for Neurodegeneration with brain iron accumulation 5. Last evaluated: 2025-01-15. Review status: criteria provided, single submitter. Criteria: Invitae Variant Classification Sherloc (09022015). Collection method: clinical testing. Allele origin: germline.
Comment: This sequence change affects an acceptor splice site in intron 7 of the WDR45 gene. It is expected to disrupt RNA splicing. Variants that disrupt the donor or acceptor splice site typically lead to a loss of protein function (PMID: 16199547), and loss-of-function variants in WDR45 are known to be pathogenic (PMID: 23176820, 24368176, 24621584, 25744623, 26790960, 27030146, 27652284, 28554332). This variant is not present in population databases (gnomAD no frequency). Disruption of this splice site has been observed in individual(s) with neurodevelopmental disorders and/or WDR45-related conditions (PMID: 26790960, 31785789, 33504798). In at least one individual the variant was observed to be de novo. ClinVar contains an entry for this variant (Variation ID: 666584). Algorithms developed to predict the effect of sequence changes on RNA splicing suggest that this variant may disrupt the consensus splice site. For these reasons, this variant has been classified as Pathogenic.

Equipe Genetique des Anomalies du Developpement, Université de Bourgogne
Classification: Likely pathogenic for Neurodegeneration with brain iron accumulation 5. Last evaluated: 2018-10-24. Review status: criteria provided, single submitter. Criteria: ACMG Guidelines, 2015. Collection method: clinical testing. Allele origin: de novo. Affected: yes.

Literature cited by the submitters: PubMed 16199547 (cited by Labcorp Genetics (formerly Invitae), Labcorp); PubMed 23176820 (cited by Labcorp Genetics (formerly Invitae), Labcorp); PubMed 24368176 (cited by Labcorp Genetics (formerly Invitae), Labcorp); PubMed 24621584 (cited by Labcorp Genetics (formerly Invitae), Labcorp); PubMed 25744623 (cited by Labcorp Genetics (formerly Invitae), Labcorp); PubMed 26790960 (cited by Labcorp Genetics (formerly Invitae), Labcorp); PubMed 27030146 (cited by Labcorp Genetics (formerly Invitae), Labcorp); PubMed 27652284 (cited by Labcorp Genetics (formerly Invitae), Labcorp); PubMed 28554332 (cited by Labcorp Genetics (formerly Invitae), Labcorp); PubMed 31785789 (cited by Labcorp Genetics (formerly Invitae), Labcorp); PubMed 33504798 (cited by Labcorp Genetics (formerly Invitae), Labcorp).